The following is an entry in ClinVar:

NM_032382.5(COG8):c.751C>T (p.Arg251Ter)

Gene: COG8 (component of oligomeric golgi complex 8; minus strand). Cytogenetic location: 16q22.1.
Variant type: single nucleotide variant.
Coding change: c.751C>T on transcript NM_032382.5 (MANE Select); coding-DNA position 751, C replaced by T.
Protein change: p.Arg251Ter; replaces arginine 251 with a stop codon.
Molecular consequence: nonsense.
Genome position (GRCh38, 1-based): chr16:69,335,183, G>A on the plus strand (C>T on the coding strand, the complement: COG8 is on the minus strand). VCF-style: chr16-69335183-G-A. GRCh37 (hg19) VCF-style: chr16-69369086-G-A.
Other names: c.751C>T, p.Arg251Ter (NM_001379262.1, NM_001379263.1, NM_001379264.1 and 4 more transcripts); short protein forms R251*.
Identifiers: ClinVar variation 5036889 (VCV005036889.1).

ClinVar aggregate classification (germline): Likely pathogenic (1 of 4 stars; one submission).

gnomAD v4.1: 13 of 1,614,136 alleles (0.00081%); highest among the groups gnomAD compares: South Asian, 0.0044%; no homozygotes.

Submission:

GeneDx
Classification: Likely pathogenic. Last evaluated: 2026-04-20. Review status: criteria provided, single submitter. Criteria: GeneDx Variant Classification Process June 2021. Collection method: clinical testing. Allele origin: germline.
Comment: Nonsense variant predicted to result in protein truncation or nonsense mediated decay in a gene for which loss of function is a known mechanism of disease; Not observed at significant frequency in large population cohorts (gnomAD); Has not been previously published as pathogenic or benign to our knowledge